The following is an entry in ClinVar:

NM_001099922.3(ALG13):c.159T>C (p.Thr53=)

Gene: ALG13 (ALG13 UDP-N-acetylglucosaminyltransferase subunit; plus strand). Cytogenetic location: Xq23.
Variant type: single nucleotide variant.
Coding change: c.159T>C on transcript NM_001099922.3 (MANE Select); coding-DNA position 159, T replaced by C.
Protein change: p.Thr53=; no amino-acid change (threonine 53 retained).
Molecular consequence: synonymous variant. On other transcripts: 5 prime UTR variant (6), non-coding transcript variant (1), intron variant (5).
Genome position (GRCh38, 1-based): chrX:111,682,209, T>C. VCF-style: chrX-111682209-T-C. GRCh37 (hg19) VCF-style: chrX-110925437-T-C.
Other names: c.159T>C, p.Thr53= (NM_001039210.5, NM_001168385.3, NM_001324290.2 and 2 more transcripts); c.-17T>C (NM_001257231.2, NM_001257241.3); c.-154T>C (NM_001257237.2, NM_001257239.3, NM_001257240.3 and 1 more transcripts); c.-127-27T>C (NM_001257234.2, NM_001257230.2, NM_001257235.3 and 2 more transcripts).
Identifiers: ClinVar variation 1934940 (VCV001934940.4), dbSNP rs1933618884, ClinGen allele CA518053032.

ClinVar aggregate classification (germline): Uncertain significance (1 of 4 stars; one submission).

Conditions:
Developmental and epileptic encephalopathy, 36 (DEE36). Also called: Epileptic encephalopathy, early infantile, 36; ALG13-CDG; Congenital disorder of glycosylation, type Is. Identifiers: Orphanet 324422, MedGen C4317295, MONDO:0010472, OMIM 300884.

Allele frequency attached by ClinVar (database versions not stated): gnomAD exomes below 0.00001.
gnomAD v4.1: 1 of 1,203,686 alleles (0.000083%); highest among the groups gnomAD compares: Middle Eastern, 0.023%; no homozygotes.

Submission:

Labcorp Genetics (formerly Invitae), Labcorp
Classification: Uncertain significance for Developmental and epileptic encephalopathy, 36. Last evaluated: 2024-06-21. Review status: criteria provided, single submitter. Criteria: Invitae Variant Classification Sherloc (09022015). Collection method: clinical testing. Allele origin: germline.
Comment: This sequence change affects codon 53 of the ALG13 mRNA. It is a 'silent' change, meaning that it does not change the encoded amino acid sequence of the ALG13 protein. This variant is not present in population databases (gnomAD no frequency). This variant has not been reported in the literature in individuals affected with ALG13-related conditions. ClinVar contains an entry for this variant (Variation ID: 1934940). Algorithms developed to predict the effect of sequence changes on RNA splicing suggest that this variant may create or strengthen a splice site. In summary, the available evidence is currently insufficient to determine the role of this variant in disease. Therefore, it has been classified as a Variant of Uncertain Significance.